The following is an entry in ClinVar:

ClinVar aggregate classification (germline): Likely benign. Review status: criteria provided, multiple submitters, no conflicts (2 of 4 stars). 5 submissions from 5 submitters: Likely benign (5). Last evaluated 2025-10-05.

Conditions:
Occult macular dystrophy (OCMD). Also called: OCCULT MACULAR DYSTROPHY, SUSCEPTIBILITY TO; OMD. Identifiers: Orphanet 247834, MedGen C3150833, MONDO:0013316, OMIM 613587, HP:0030636.
RP1L1-related disorder. Also called: RP1L1-related condition.

Allele frequency attached by ClinVar (database versions not stated): gnomAD exomes 0.00002 and 0.00006; ExAC 0.00007; TOPMed 0.00012; gnomAD 0.00014 and 0.00016; ESP Exome Variant Server 0.00041.
gnomAD v4.1: 56 of 1,561,520 alleles (0.0036%); highest among the groups gnomAD compares: African/African-American, 0.046%; no homozygotes.

Submissions (5):

PreventionGenetics, part of Exact Sciences
Classification: Likely benign for RP1L1-related condition. Last evaluated: 2025-10-05. Review status: criteria provided, single submitter. Criteria: ACMG Guidelines, 2015. Collection method: clinical testing. Allele origin: germline.
Comment: This variant is classified as likely benign based on ACMG/AMP sequence variant interpretation guidelines (Richards et al. 2015 PMID: 25741868, with internal and published modifications).

Labcorp Genetics (formerly Invitae), Labcorp
Classification: Likely benign. Last evaluated: 2025-06-10. Review status: criteria provided, single submitter. Criteria: Invitae Variant Classification Sherloc (09022015). Collection method: clinical testing. Allele origin: germline.

Blueprint Genetics
Classification: Likely benign. Last evaluated: 2022-02-28. Review status: criteria provided, single submitter. Criteria: ACMG Guidelines, 2015. Collection method: clinical testing. Allele origin: germline.

Illumina Laboratory Services, Illumina
Classification: Likely benign for Occult macular dystrophy. Last evaluated: 2018-01-13. Review status: criteria provided, single submitter. Criteria: ICSL Variant Classification Criteria 13 December 2019. Collection method: clinical testing. Allele origin: germline.
Comment: This variant was observed in the ICSL laboratory as part of a predisposition screen in an ostensibly healthy population. It had not been previously curated by ICSL or reported in the Human Gene Mutation Database (HGMD: prior to June 1st, 2018), and was therefore a candidate for classification through an automated scoring system. Utilizing variant allele frequency, disease prevalence and penetrance estimates, and inheritance mode, an automated score was calculated to assess if this variant is too frequent to cause the disease. Based on the score and internal cut-off values, a variant classified as likely benign is not then subjected to further curation. The score for this variant resulted in a classification of likely benign for this disease.

Breakthrough Genomics
Classification: Likely benign. Review status: criteria provided, single submitter. Criteria: ACMG Guidelines, 2015. Collection method: not provided. Allele origin: germline. Inheritance: Autosomal recessive inheritance. Affected: yes.

NM_178857.6(RP1L1):c.9C>T (p.Ser3=)

Gene: RP1L1 (RP1 like 1). Cytogenetic location: 8p23.1.
Variant type: single nucleotide variant.
Coding change: c.9C>T on transcript NM_178857.6 (MANE Select); coding-DNA position 9, C replaced by T.
Protein change: p.Ser3=; no amino-acid change (serine 3 retained).
Molecular consequence: synonymous variant.
Genome position (GRCh38, 1-based): chr8:10,623,193, G>A on the plus strand (C>T on the coding strand, the complement: RP1L1 is on the minus strand). VCF-style: chr8-10623193-G-A. GRCh37 (hg19) VCF-style: chr8-10480703-G-A.
Identifiers: ClinVar variation 361434 (VCV000361434.12), dbSNP rs367930443, ClinGen allele CA4625921.
Genomic context (GRCh38, chr8:10,623,193, plus strand): 5'-GCGAGCCACAGAGGGCAGGAAGCACTCACGGTGGCTCGGGGCCTGGGCATTCCTGGGGGT[G>A]CTGTTCATGGTGTGGGGGCTCTGGCCGCTGTAACAGGGCAGAGGAAGAGGGGTCAGAGAG-3'
Protein context (NP_849188.4, residues 1-13): MN[Ser3=]TPRNAQAPSH